The following is an entry in ClinVar:

NM_000428.3(LTBP2):c.5402G>A (p.Arg1801His)

Gene: LTBP2 (latent transforming growth factor beta binding protein 2; minus strand). Cytogenetic location: 14q24.3.
Variant type: single nucleotide variant.
Coding change: c.5402G>A on transcript NM_000428.3 (MANE Select); coding-DNA position 5402, G replaced by A.
Protein change: p.Arg1801His; replaces arginine 1801 with histidine.
Molecular consequence: missense variant.
Genome position (GRCh38, 1-based): chr14:74,500,948, C>T on the plus strand (G>A on the coding strand, the complement: LTBP2 is on the minus strand). VCF-style: chr14-74500948-C-T. GRCh37 (hg19) VCF-style: chr14-74967651-C-T.
Other names: short protein forms R1801H.
Identifiers: ClinVar variation 885417 (VCV000885417.44), dbSNP rs143010135, ClinGen allele CA7268411.

ClinVar aggregate classification (germline): Conflicting classifications of pathogenicity. Review status: criteria provided, conflicting classifications (1 of 4 stars). 4 submissions from 3 submitters: Uncertain significance (3); Likely benign (1). Last evaluated 2025-11-02.

Conditions:
Glaucoma 3, primary congenital, D. Identifiers: Orphanet 98976, MedGen C2751316, MONDO:0013122, OMIM 613086.
Weill-Marchesani syndrome. Also called: WM Syndrome; Mesodermal dysmorphodystrophy congenital. Identifiers: Orphanet 3449, MedGen C0265313, MONDO:0018096.

Allele frequency attached by ClinVar (database versions not stated): gnomAD 0.00022 and 0.00035; TOPMed 0.00022; ESP Exome Variant Server 0.00031; gnomAD exomes 0.00050 and 0.00062; ExAC 0.00073; 1000 Genomes Project 30x 0.00078; 1000 Genomes Project 0.00080.
gnomAD v4.1: 790 of 1,614,122 alleles (0.049%); highest among the groups gnomAD compares: South Asian, 0.35%; no homozygotes.

Submissions (4):

Labcorp Genetics (formerly Invitae), Labcorp
Classification: Likely benign. Last evaluated: 2025-11-02. Review status: criteria provided, single submitter. Criteria: Invitae Variant Classification Sherloc (09022015). Collection method: clinical testing. Allele origin: germline.

CeGaT Center for Human Genetics Tuebingen
Classification: Uncertain significance. Last evaluated: 2021-06-01. Review status: criteria provided, single submitter. Criteria: CeGaT Center For Human Genetics Tuebingen Variant Classification Criteria Version 2. Collection method: clinical testing. Allele origin: germline. Affected: yes. Observed: 1 variant allele.

Illumina Laboratory Services, Illumina
Classification: Uncertain significance for Glaucoma 3, primary congenital, D. Last evaluated: 2017-04-28. Review status: criteria provided, single submitter. Criteria: ICSL Variant Classification Criteria 13 December 2019. Collection method: clinical testing. Allele origin: germline.
Comment: This variant was observed as part of a predisposition screen in an ostensibly healthy population. A literature search was performed for the gene, cDNA change, and amino acid change (where applicable). Publications were found based on this search. However, the evidence from the literature, in combination with allele frequency data from public databases where available, was not sufficient to rule this variant in or out of causing disease. Therefore, this variant is classified as a variant of unknown significance.

Illumina Laboratory Services, Illumina
Classification: Uncertain significance for Weill-Marchesani syndrome. Last evaluated: 2017-04-28. Review status: criteria provided, single submitter. Criteria: ICSL Variant Classification Criteria 13 December 2019. Collection method: clinical testing. Allele origin: germline.

Literature cited by the submitters: PubMed 26425313 (cited by Illumina Laboratory Services, Illumina).